The following is an entry in ClinVar:

NM_006231.4(POLE):c.1455T>G (p.Ile485Met)

Gene: POLE (DNA polymerase epsilon, catalytic subunit; minus strand). Cytogenetic location: 12q24.33.
Variant type: single nucleotide variant.
Coding change: c.1455T>G on transcript NM_006231.4 (MANE Select); coding-DNA position 1455, T replaced by G.
Protein change: p.Ile485Met; replaces isoleucine 485 with methionine.
Molecular consequence: missense variant.
Genome position (GRCh38, 1-based): chr12:132,673,182, A>C on the plus strand (T>G on the coding strand, the complement: POLE is on the minus strand). VCF-style: chr12-132673182-A-C. GRCh37 (hg19) VCF-style: chr12-133249768-A-C.
Other names: short protein forms I485M.
Identifiers: ClinVar variation 240394 (VCV000240394.15), dbSNP rs878854843, ClinGen allele CA10583017.

ClinVar aggregate classification (germline): Uncertain significance. Review status: criteria provided, multiple submitters, no conflicts (2 of 4 stars). 3 submissions from 3 submitters: Uncertain significance (3). Last evaluated 2025-09-24.

Conditions:
Hereditary cancer-predisposing syndrome. Also called: Tumor predisposition; Neoplastic Syndromes, Hereditary; Hereditary Cancer Syndrome; Hereditary neoplastic syndrome. Identifiers: Orphanet 140162, MedGen C0027672, MeSH D009386, MONDO:0015356.
Colorectal cancer, susceptibility to, 12 (CRCS12). Also called: COLORECTAL CANCER, SUSCEPTIBILITY TO, ON CHROMOSOME 12q24. Identifiers: Orphanet 220460, MedGen C3554460, MONDO:0014038, OMIM 615083.

Allele frequency attached by ClinVar (database versions not stated): gnomAD exomes below 0.00001.
gnomAD v4.1: 1 of 1,608,702 alleles (0.000062%); highest among the groups gnomAD compares: Non-Finnish European, 0.000085%; no homozygotes.

Submissions (3):

Labcorp Genetics (formerly Invitae), Labcorp
Classification: Uncertain significance. Last evaluated: 2025-09-24. Review status: criteria provided, single submitter. Criteria: Invitae Variant Classification Sherloc (09022015). Collection method: clinical testing. Allele origin: germline.
Comment: This sequence change replaces isoleucine, which is neutral and non-polar, with methionine, which is neutral and non-polar, at codon 485 of the POLE protein (p.Ile485Met). This variant is not present in population databases (gnomAD no frequency). This variant has not been reported in the literature in individuals affected with POLE-related conditions. ClinVar contains an entry for this variant (Variation ID: 240394). Invitae Evidence Modeling of protein sequence and biophysical properties (such as structural, functional, and spatial information, amino acid conservation, physicochemical variation, residue mobility, and thermodynamic stability) indicates that this missense variant is expected to disrupt POLE protein function with a positive predictive value of 80%. In summary, the available evidence is currently insufficient to determine the role of this variant in disease. Therefore, it has been classified as a Variant of Uncertain Significance.

Ambry Genetics
Classification: Uncertain significance for Hereditary cancer-predisposing syndrome. Last evaluated: 2025-06-26. Review status: criteria provided, single submitter. Criteria: Ambry Variant Classification Scheme 2023. Collection method: clinical testing. Allele origin: germline.
Comment: The p.I485M variant (also known as c.1455T>G), located in coding exon 14 of the POLE gene, results from a T to G substitution at nucleotide position 1455. The isoleucine at codon 485 is replaced by methionine, an amino acid with highly similar properties. This amino acid position is highly conserved in available vertebrate species. In addition, the in silico prediction for this alteration is inconclusive. Based on the available evidence, the clinical significance of this variant remains unclear.

Baylor Genetics
Classification: Uncertain significance for Colorectal cancer, susceptibility to, 12. Last evaluated: 2023-09-25. Review status: criteria provided, single submitter. Criteria: ACMG Guidelines, 2015. Collection method: clinical testing. Allele origin: unknown.